The following is an entry in ClinVar:

NM_005732.4(RAD50):c.919_920del (p.Leu307fs)

Gene: RAD50 (RAD50 double strand break repair protein; plus strand). Cytogenetic location: 5q31.1.
Variant type: Deletion.
Coding change: c.919_920del on transcript NM_005732.4 (MANE Select); coding-DNA positions 919 to 920, 2 bases deleted (TT; older notation c.919_920delTT).
Protein change: p.Leu307fs; shifts the reading frame from leucine 307.
Molecular consequence: frameshift variant.
Genome position (GRCh38, 1-based): chr5:132,587,957-132,587,958, TT deleted. VCF-style (leftmost placement, unchanged base first): chr5-132587956-CTT-C. GRCh37 (hg19) VCF-style: chr5-131923648-CTT-C.
Other names: c.919_920delTT (NM_005732.3); short protein forms L307fs.
Identifiers: ClinVar variation 1423275 (VCV001423275.7), dbSNP rs1750624491, ClinGen allele CA1583237103.

ClinVar aggregate classification (germline): Pathogenic. Review status: criteria provided, multiple submitters, no conflicts (2 of 4 stars). 2 submissions from 2 submitters: Pathogenic (2). Last evaluated 2025-02-19.

Conditions:
Hereditary cancer-predisposing syndrome. Also called: Neoplastic Syndromes, Hereditary; Hereditary Cancer Syndrome; Hereditary neoplastic syndrome; Tumor predisposition. Identifiers: Orphanet 140162, MedGen C0027672, MeSH D009386, MONDO:0015356.

Allele frequency attached by ClinVar (database versions not stated): TOPMed 0.00002.

Submissions (2):

Labcorp Genetics (formerly Invitae), Labcorp
Classification: Pathogenic for Hereditary cancer-predisposing syndrome. Last evaluated: 2025-02-19. Review status: criteria provided, single submitter. Criteria: Invitae Variant Classification Sherloc (09022015). Collection method: clinical testing. Allele origin: germline.
Comment: This sequence change creates a premature translational stop signal (p.Leu307Ilefs*21) in the RAD50 gene. It is expected to result in an absent or disrupted protein product. Loss-of-function variants in RAD50 are known to be pathogenic (PMID: 19409520). This variant is not present in population databases (gnomAD no frequency). This variant has not been reported in the literature in individuals affected with RAD50-related conditions. ClinVar contains an entry for this variant (Variation ID: 1423275). For these reasons, this variant has been classified as Pathogenic.

Ambry Genetics
Classification: Pathogenic for Hereditary cancer-predisposing syndrome. Last evaluated: 2024-09-10. Review status: criteria provided, single submitter. Criteria: Ambry Variant Classification Scheme 2023. Collection method: clinical testing. Allele origin: germline.
Comment: The c.919_920delTT pathogenic mutation, located in coding exon 7 of the RAD50 gene, results from a deletion of two nucleotides at nucleotide positions 919 to 920, causing a translational frameshift with a predicted alternate stop codon (p.L307Ifs*21). This variant is considered to be rare based on population cohorts in the Genome Aggregation Database (gnomAD). This alteration is expected to result in loss of function by premature protein truncation or nonsense-mediated mRNA decay. As such, this alteration is interpreted as a disease-causing mutation.

Literature cited by the submitters: PubMed 19409520 (cited by Labcorp Genetics (formerly Invitae), Labcorp).